The following is an entry in ClinVar:

NM_001365276.2(TNXB):c.8854G>C (p.Glu2952Gln)

Gene: TNXB (tenascin XB; minus strand). Cytogenetic location: 6p21.33.
Variant type: single nucleotide variant.
Coding change: c.8854G>C on transcript NM_001365276.2 (MANE Select); coding-DNA position 8854, G replaced by C.
Protein change: p.Glu2952Gln; replaces glutamic acid 2952 with glutamine.
Molecular consequence: missense variant.
Genome position (GRCh38, 1-based): chr6:32,052,931, C>G on the plus strand (G>C on the coding strand, the complement: TNXB is on the minus strand). VCF-style: chr6-32052931-C-G. GRCh37 (hg19) VCF-style: chr6-32020708-C-G.
Other names: c.9595G>C, p.Glu3199Gln (NM_001428335.1); c.8848G>C, p.Glu2950Gln (NM_019105.8); short protein forms E2952Q, E3199Q, E2950Q.
Identifiers: ClinVar variation 4188705 (VCV004188705.1).

ClinVar aggregate classification (germline): Uncertain significance (1 of 4 stars; one submission).

Conditions:
Cardiovascular phenotype. Identifiers: MedGen CN230736.

Submission:

Ambry Genetics
Classification: Uncertain significance for Cardiovascular phenotype. Last evaluated: 2025-07-29. Review status: criteria provided, single submitter. Criteria: Ambry Variant Classification Scheme 2023. Collection method: clinical testing. Allele origin: germline.
Comment: The p.E2950Q variant (also known as c.8848G>C), located in coding exon 25 of the TNXB gene, results from a G to C substitution at nucleotide position 8848. The glutamic acid at codon 2950 is replaced by glutamine, an amino acid with highly similar properties. This amino acid position is conserved. In addition, this alteration is predicted to be tolerated by in silico analysis. Based on the available evidence, the clinical significance of this variant remains unclear.